The following is an entry in ClinVar:

NM_018972.4(GDAP1):c.760dup (p.Thr254fs)

Gene: GDAP1 (ganglioside induced differentiation associated protein 1; plus strand). Cytogenetic location: 8q21.11.
Variant type: Duplication.
Coding change: c.760dup on transcript NM_018972.4 (MANE Select); coding-DNA position 760, one base duplicated (A; older notation c.760dupA).
Protein change: p.Thr254fs; shifts the reading frame from threonine 254.
Molecular consequence: frameshift variant. On other transcripts: intron variant (1).
Genome position (GRCh38, 1-based): chr8:74,364,050, A duplicated. VCF-style (leftmost placement, unchanged base first): chr8-74364049-C-CA. GRCh37 (hg19) VCF-style: chr8-75276284-C-CA.
Other names: c.556dup, p.Thr186fs (NM_001040875.4); c.433dup, p.Thr145fs (NM_001362929.2, NM_001362932.2); c.586dup, p.Thr196fs (NM_001362930.2); c.694+997dup (NM_001362931.2); short protein forms T145fs, T186fs, T196fs, T254fs.
Identifiers: ClinVar variation 2444286 (VCV002444286.2), dbSNP rs1809500885, ClinGen allele CA1794116295.

ClinVar aggregate classification (germline): Likely pathogenic. Review status: criteria provided, multiple submitters, no conflicts (2 of 4 stars). 2 submissions from 2 submitters: Likely pathogenic (2). Last evaluated 2023-02-23.

Conditions:
Charcot-Marie-Tooth disease recessive intermediate A (CMTRIA). Also called: CHARCOT-MARIE-TOOTH NEUROPATHY, RECESSIVE INTERMEDIATE A. Identifiers: Orphanet 217055, MedGen C1842197, MONDO:0012014, OMIM 608340.
GDAP1-related disorder. Also called: GDAP1-related condition; GDAP1-related disorders.

Allele frequency attached by ClinVar (database versions not stated): TOPMed below 0.00001.

Submissions (2):

3billion
Classification: Likely pathogenic for Charcot-Marie-Tooth disease recessive intermediate A. Last evaluated: 2023-02-23. Review status: criteria provided, single submitter. Criteria: ACMG Guidelines, 2015. Collection method: clinical testing. Allele origin: unknown. Affected: yes.
Comment: The variant is not observed in the gnomAD v2.1.1 dataset. This variant was predicted to result in a loss or disruption of normal protein function through protein truncation. The predicted truncated protein may be shortened by more than 10%. Therefore, this variant is classified as Likely pathogenic according to the recommendation of ACMG/AMP guideline.

Blueprint Genetics
Classification: Likely pathogenic for GDAP1-related disorders. Last evaluated: 2022-03-17. Review status: criteria provided, single submitter. Criteria: ACMG Guidelines, 2015. Collection method: clinical testing. Allele origin: germline. Affected: yes. Observed: 1 variant allele.